The following is an entry in ClinVar:

NM_015898.4(ZBTB7A):c.894G>T (p.Ser298=)

Gene: ZBTB7A (zinc finger and BTB domain containing 7A; minus strand). Cytogenetic location: 19p13.3.
Variant type: single nucleotide variant.
Coding change: c.894G>T on transcript NM_015898.4 (MANE Select); coding-DNA position 894, G replaced by T.
Protein change: p.Ser298=; no amino-acid change (serine 298 retained).
Molecular consequence: synonymous variant.
Genome position (GRCh38, 1-based): chr19:4,054,339, C>A on the plus strand (G>T on the coding strand, the complement: ZBTB7A is on the minus strand). VCF-style: chr19-4054339-C-A. GRCh37 (hg19) VCF-style: chr19-4054337-C-A.
Other names: c.894G>T, p.Ser298= (NM_001317990.2).
Identifiers: ClinVar variation 3898171 (VCV003898171.7).
Genomic context (GRCh38, chr19:4,054,339, plus strand): 5'-CGTGCTGGCCGCCAGCCCGTCCACGTCGGGCCCGTCCCCGTCCTCGCCCTCGGCCGCTCC[C>A]GACAGGAAGCCCGGAGAGTCGCCCGGCTCGGGGGCCGCCTCCGACAGCGAGGCGGCCTCC-3'
Protein context (NP_056982.1, residues 288-308): PEPGDSPGFL[Ser298=]GAAEGEDGDG

ClinVar aggregate classification (germline): Likely benign (1 of 4 stars; one submission).

gnomAD v4.1: 3,840 of 1,505,666 alleles (0.26%); highest among the groups gnomAD compares: Non-Finnish European, 0.32%; 6 homozygotes.

Submission:

CeGaT Center for Human Genetics Tuebingen
Classification: Likely benign. Last evaluated: 2026-09-01. Review status: criteria provided, single submitter. Criteria: CeGaT Center For Human Genetics Tuebingen Variant Classification Criteria Version 2. Collection method: clinical testing. Allele origin: germline. Affected: yes. Observed: 5 variant alleles.
Comment: ZBTB7A: BP4, BP7, BS1